The following is an entry in ClinVar:

ClinVar aggregate classification (germline): Likely benign. Review status: criteria provided, multiple submitters, no conflicts (2 of 4 stars). 3 submissions from 3 submitters: Likely benign (2). 1 of the submissions does not count toward it. Last evaluated 2025-08-25.

Conditions:
FOCAD-related disorder. Also called: FOCAD-related condition.

Allele frequency attached by ClinVar (database versions not stated): gnomAD exomes 0.00015; TOPMed 0.00016; gnomAD 0.00017; 1000 Genomes Project 0.00040; ExAC 0.00026; 1000 Genomes Project 30x 0.00031.
gnomAD v4.1: 250 of 1,604,700 alleles (0.016%); highest among the groups gnomAD compares: East Asian, 0.48%; 1 homozygote.

Submissions (3):

Labcorp Genetics (formerly Invitae), Labcorp
Classification: Likely benign. Last evaluated: 2025-08-25. Review status: criteria provided, single submitter. Criteria: Invitae Variant Classification Sherloc (09022015). Collection method: clinical testing. Allele origin: germline.

CeGaT Center for Human Genetics Tuebingen
Classification: Likely benign. Last evaluated: 2023-01-01. Review status: criteria provided, single submitter. Criteria: CeGaT Center For Human Genetics Tuebingen Variant Classification Criteria Version 2. Collection method: clinical testing. Allele origin: germline. Affected: yes. Observed: 1 variant allele.
Comment: FOCAD: BP4, BP7

PreventionGenetics, part of Exact Sciences
Classification: Likely benign for FOCAD-related condition. Last evaluated: 2019-03-28. Review status: no assertion criteria provided. Collection method: clinical testing. Allele origin: germline. Not counted in ClinVar's aggregate classification.
Comment: This variant is classified as likely benign based on ACMG/AMP sequence variant interpretation guidelines (Richards et al. 2015 PMID: 25741868, with internal and published modifications).

NM_001375567.1(FOCAD):c.4905G>A (p.Thr1635=)

Gene: FOCAD (focadhesin; plus strand). Cytogenetic location: 9p21.3.
Variant type: single nucleotide variant.
Coding change: c.4905G>A on transcript NM_001375567.1 (MANE Select); coding-DNA position 4905, G replaced by A.
Protein change: p.Thr1635=; no amino-acid change (threonine 1635 retained).
Molecular consequence: synonymous variant.
Genome position (GRCh38, 1-based): chr9:20,986,464, G>A. VCF-style: chr9-20986464-G-A. GRCh37 (hg19) VCF-style: chr9-20986463-G-A.
Other names: c.4800G>A, p.Thr1600= (NM_001375568.1, NM_001375570.1); c.4905G>A, p.Thr1635= (NM_017794.5); c.4905G>A (NM_017794.4).
Identifiers: ClinVar variation 2659124 (VCV002659124.27), dbSNP rs78732923, ClinGen allele CA5008097.